The following is an entry in ClinVar:

ClinVar aggregate classification (germline): Uncertain significance. Review status: criteria provided, multiple submitters, no conflicts (2 of 4 stars). 2 submissions from 2 submitters: Uncertain significance (2). Last evaluated 2026-05-19.

Conditions:
Hereditary cancer-predisposing syndrome. Also called: Neoplastic Syndromes, Hereditary; Tumor predisposition; Hereditary Cancer Syndrome; Hereditary neoplastic syndrome. Identifiers: Orphanet 140162, MedGen C0027672, MeSH D009386, MONDO:0015356.
Familial cancer of breast. Also called: hereditary breast carcinoma; BREAST CANCER, FAMILIAL; Hereditary breast cancer. Identifiers: Orphanet 227535, MedGen C0346153, MONDO:0016419, OMIM 114480. Disease mechanism: loss of function.

Submissions (2):

Ambry Genetics
Classification: Uncertain significance for Hereditary cancer-predisposing syndrome. Last evaluated: 2026-05-19. Review status: criteria provided, single submitter. Criteria: Ambry Variant Classification Scheme 2023. Collection method: clinical testing. Allele origin: germline.
Comment: The p.P449L variant (also known as c.1346C>T), located in coding exon 11 of the CHEK2 gene, results from a C to T substitution at nucleotide position 1346. The proline at codon 449 is replaced by leucine, an amino acid with similar properties. This amino acid position is conserved. In addition, the in silico prediction for this alteration is inconclusive. Based on the available evidence, the clinical significance of this variant remains unclear.

Labcorp Genetics (formerly Invitae), Labcorp
Classification: Uncertain significance for Familial cancer of breast. Last evaluated: 2022-11-09. Review status: criteria provided, single submitter. Criteria: Invitae Variant Classification Sherloc (09022015). Collection method: clinical testing. Allele origin: germline.
Comment: Algorithms developed to predict the effect of missense changes on protein structure and function are either unavailable or do not agree on the potential impact of this missense change (SIFT: "Deleterious"; PolyPhen-2: "Benign"; Align-GVGD: "Class C0"). In summary, the available evidence is currently insufficient to determine the role of this variant in disease. Therefore, it has been classified as a Variant of Uncertain Significance. ClinVar contains an entry for this variant (Variation ID: 1389244). This variant has not been reported in the literature in individuals affected with CHEK2-related conditions. This variant is not present in population databases (gnomAD no frequency). This sequence change replaces proline, which is neutral and non-polar, with leucine, which is neutral and non-polar, at codon 449 of the CHEK2 protein (p.Pro449Leu).

NM_007194.4(CHEK2):c.1346C>T (p.Pro449Leu)

Gene: CHEK2 (checkpoint kinase 2; minus strand). Cytogenetic location: 22q12.1.
Variant type: single nucleotide variant.
Coding change: c.1346C>T on transcript NM_007194.4 (MANE Select); coding-DNA position 1346, C replaced by T.
Protein change: p.Pro449Leu; replaces proline 449 with leucine.
Molecular consequence: missense variant.
Genome position (GRCh38, 1-based): chr22:28,695,156, G>A on the plus strand (C>T on the coding strand, the complement: CHEK2 is on the minus strand). VCF-style: chr22-28695156-G-A. GRCh37 (hg19) VCF-style: chr22-29091144-G-A.
Other names: c.1475C>T, p.Pro492Leu (NM_001005735.3); c.683C>T, p.Pro228Leu (NM_001257387.3); c.1145C>T, p.Pro382Leu (NM_001349956.3); c.1259C>T, p.Pro420Leu (NM_145862.3); c.1346C>T (NM_007194.3); short protein forms P420L, P382L, P492L, P228L, P449L.
Identifiers: ClinVar variation 1389244 (VCV001389244.8), dbSNP rs2145793532, ClinGen allele CA411095622.